The following is an entry in ClinVar:

NM_024592.5(SRD5A3):c.445_446dup (p.Val150fs)

Gene: SRD5A3 (steroid 5 alpha-reductase 3; plus strand). Cytogenetic location: 4q12.
Variant type: Duplication.
Coding change: c.445_446dup on transcript NM_024592.5 (MANE Select); coding-DNA positions 445 to 446, 2 bases duplicated (TA; older notation c.445_446dupTA).
Protein change: p.Val150fs; shifts the reading frame from valine 150.
Molecular consequence: frameshift variant.
Genome position (GRCh38, 1-based): chr4:55,364,154-55,364,155, TA duplicated. VCF-style (leftmost placement, unchanged base first): chr4-55364153-C-CTA. GRCh37 (hg19) VCF-style: chr4-56230320-C-CTA.
Other names: c.445_446dup, p.Val150fs (NM_001410732.1); short protein forms V150fs.
Identifiers: ClinVar variation 2630646 (VCV002630646.1), dbSNP rs2545455816, ClinGen allele CA2695199373.

ClinVar aggregate classification (germline): Likely pathogenic (1 of 4 stars; one submission).

Conditions:
SRD5A3-related disorder. Also called: SRD5A3-related condition; SRD5A3-Related Disorders.

Submission:

PreventionGenetics, part of Exact Sciences
Classification: Likely pathogenic for SRD5A3-related condition. Last evaluated: 2023-02-27. Review status: criteria provided, single submitter. Criteria: ACMG Guidelines, 2015. Collection method: clinical testing. Allele origin: germline.
Comment: The SRD5A3 c.445_446dupTA variant is predicted to result in a frameshift and premature protein termination (p.Val150Thrfs*9). To our knowledge, this variant has not been reported in the literature or in a large population database, indicating this variant is rare. Frameshift variants in SRD5A3 are expected to be pathogenic. This variant is interpreted as likely pathogenic.